The following is an entry in ClinVar:

NM_005006.7(NDUFS1):c.-5+225C>G

Gene: NDUFS1 (NADH:ubiquinone oxidoreductase core subunit S1; minus strand). Cytogenetic location: 2q33.3.
Variant type: single nucleotide variant.
Coding change: c.-5+225C>G on transcript NM_005006.7 (MANE Select); 225 bases into the intron after 5 bases upstream of the start codon, C replaced by G.
Molecular consequence: intron variant. On other transcripts: synonymous variant (1).
Genome position (GRCh38, 1-based): chr2:206,159,116, G>C on the plus strand (C>G on the coding strand, the complement: NDUFS1 is on the minus strand). VCF-style: chr2-206159116-G-C. GRCh37 (hg19) VCF-style: chr2-207023840-G-C.
Other names: c.18C>G, p.Ser6= (NM_001199984.2); c.-61+225C>G (NM_001199982.2); c.-84+225C>G (NM_001199983.2); c.-5+225C>G (NM_001199981.2).
Identifiers: ClinVar variation 3905264 (VCV003905264.11).
Genomic context (GRCh38, chr2:206,159,116, plus strand): 5'-TGAATTTTCCCTGCAGAGGGAAGGTCACCTGCAAGCCTACATTCGTGACAGCGTTCCCGA[G>C]GACCCCCTGATCCTCATCTTCTTTTCTGCTTCATCAGACCAGAGACCGTGGCTAAAAGCC-3'

ClinVar aggregate classification (germline): Likely benign. Review status: criteria provided, multiple submitters, no conflicts (2 of 4 stars). 2 submissions from 2 submitters: Likely benign (2). Last evaluated 2025-05-01.

gnomAD v4.1: 389 of 1,535,620 alleles (0.025%); highest among the groups gnomAD compares: Non-Finnish European, 0.032%; no homozygotes.

Submissions (2):

CeGaT Center for Human Genetics Tuebingen
Classification: Likely benign. Last evaluated: 2025-05-01. Review status: criteria provided, single submitter. Criteria: CeGaT Center For Human Genetics Tuebingen Variant Classification Criteria Version 2. Collection method: clinical testing. Allele origin: germline. Affected: yes. Observed: 1 variant allele.
Comment: NDUFS1: BP4, BP7

Blueprint Genetics
Classification: Likely benign. Last evaluated: 2024-11-13. Review status: criteria provided, single submitter. Criteria: ACMG Guidelines, 2015. Collection method: clinical testing. Allele origin: germline.